The following is an entry in ClinVar:

ClinVar aggregate classification (germline): other (0 of 4 stars; one submission).

Conditions:
Familial colorectal cancer. Identifiers: MedGen CN280943, MONDO:0023113. Disease mechanism: loss of function.

Submission:

Systems Biology Platform Zhejiang California International NanoSystems Institute
Classification: other for Familial colorectal cancer. Review status: no assertion criteria provided. Collection method: not provided. Allele origin: unknown.
ClinVar note: Converted during submission from cancer to other.

NM_001127511.3(APC):c.165+28443G>T

Gene: APC (APC regulator of Wnt signaling pathway; plus strand). Cytogenetic location: 5q22.2.
Variant type: single nucleotide variant.
Coding change: c.165+28443G>T on transcript NM_001127511.3; 28443 bases into the intron after coding-DNA position 165, G replaced by T.
Molecular consequence: intron variant.
Genome position (GRCh38, 1-based): chr5:112,736,325, G>T. VCF-style: chr5-112736325-G-T. GRCh37 (hg19) VCF-style: chr5-112072022-G-T.
Other names: c.-1053-18548G>T (NM_001407470.1, NM_001407472.1); c.-18-18548G>T (NM_001407447.1, NM_001354895.2, NM_001407456.1 and 7 more transcripts); c.165+28443G>T (NM_001407446.1, NM_001354897.2, NM_001354902.2); c.-43+28676G>T (NM_001407453.1).
Identifiers: ClinVar variation 82728 (VCV000082728.4), dbSNP rs77032928, ClinGen allele CA023626.
Genomic context (GRCh38, chr5:112,736,325, plus strand): 5'-GAAGGGAAATTGTTTCTAAATATATTTAAACTTTTAATAGAACAGTAGTATGCCATCAGT[G>T]TGGAAATAACTCACTTGTTAAATAAATATTTGGGGTGTATTTGCTGTATATCAGGCATTG-3'